The following is an entry in ClinVar:

NM_001048174.2(MUTYH):c.39G>C (p.Arg13Ser)

Gene: MUTYH (mutY DNA glycosylase; minus strand). Cytogenetic location: 1p34.1.
Variant type: single nucleotide variant.
Coding change: c.39G>C on transcript NM_001048174.2 (MANE Select); coding-DNA position 39, G replaced by C.
Protein change: p.Arg13Ser; replaces arginine 13 with serine.
Molecular consequence: missense variant. On other transcripts: 5 prime UTR variant (7), non-coding transcript variant (7).
Genome position (GRCh38, 1-based): chr1:45,334,467, C>G on the plus strand (G>C on the coding strand, the complement: MUTYH is on the minus strand). VCF-style: chr1-45334467-C-G. GRCh37 (hg19) VCF-style: chr1-45800139-C-G.
Other names: c.39G>C, p.Arg13Ser (NM_001407086.1, NM_001407088.1, NM_001407089.1 and 15 more transcripts); c.57G>C, p.Arg19Ser (NM_001407087.1); c.-174G>C (NM_001407091.1, NM_001293196.2, NM_001293192.2); c.81G>C, p.Arg27Ser (NM_012222.3, NM_001407069.1, NM_001407073.1 and 2 more transcripts); c.-233G>C (NM_001350650.2); c.-169G>C (NM_001350651.2, NM_001407082.1); c.-118G>C (NM_001407075.1); short protein forms R13S, R19S, R27S.
Identifiers: ClinVar variation 4113857 (VCV004113857.1).

ClinVar aggregate classification (germline): Uncertain significance (1 of 4 stars; one submission).

Conditions:
Hereditary cancer-predisposing syndrome. Also called: Hereditary neoplastic syndrome; Neoplastic Syndromes, Hereditary; Tumor predisposition; Hereditary Cancer Syndrome. Identifiers: Orphanet 140162, MedGen C0027672, MeSH D009386, MONDO:0015356.

Submission:

Ambry Genetics
Classification: Uncertain significance for Hereditary cancer-predisposing syndrome. Last evaluated: 2025-08-27. Review status: criteria provided, single submitter. Criteria: Ambry Variant Classification Scheme 2023. Collection method: clinical testing. Allele origin: germline.
Comment: The p.R27S variant (also known as c.81G>C), located in coding exon 2 of the MUTYH gene, results from a G to C substitution at nucleotide position 81. The arginine at codon 27 is replaced by serine, an amino acid with dissimilar properties. This amino acid position is conserved. In addition, this alteration is predicted to be tolerated by in silico analysis. Based on the available evidence, the clinical significance of this variant remains unclear.